The following is an entry in ClinVar:

ClinVar aggregate classification (germline): Uncertain significance (1 of 4 stars; one submission).

Submission:

GeneDx
Classification: Uncertain significance. Last evaluated: 2023-09-09. Review status: criteria provided, single submitter. Criteria: GeneDx Variant Classification Process June 2021. Collection method: clinical testing. Allele origin: germline. Affected: yes.
Comment: Not observed at significant frequency in large population cohorts (gnomAD); In silico analysis supports that this missense variant has a deleterious effect on protein structure/function; Has not been previously published as pathogenic or benign to our knowledge

NM_001379029.1(CERT1):c.514T>C (p.Cys172Arg)

Gene: CERT1 (ceramide transporter 1; minus strand). Cytogenetic location: 5q13.3.
Variant type: single nucleotide variant.
Coding change: c.514T>C on transcript NM_001379029.1 (MANE Select); coding-DNA position 514, T replaced by C.
Protein change: p.Cys172Arg; replaces cysteine 172 with arginine.
Molecular consequence: missense variant.
Genome position (GRCh38, 1-based): chr5:75,425,442, A>G on the plus strand (T>C on the coding strand, the complement: CERT1 is on the minus strand). VCF-style: chr5-75425442-A-G. GRCh37 (hg19) VCF-style: chr5-74721267-A-G.
Other names: c.898T>C, p.Cys300Arg (NM_001130105.1); c.514T>C, p.Cys172Arg (NM_001379002.1, NM_001379003.1, NM_001379004.1 and 2 more transcripts); short protein forms C172R, C300R.
Identifiers: ClinVar variation 1305320 (VCV001305320.4), dbSNP rs2112183597, ClinGen allele CA360136021.